The following is an entry in ClinVar:

ClinVar aggregate classification (germline): Uncertain significance (1 of 4 stars; one submission).

Submission:

Labcorp Genetics (formerly Invitae), Labcorp
Classification: Uncertain significance. Last evaluated: 2025-08-21. Review status: criteria provided, single submitter. Criteria: Invitae Variant Classification Sherloc (09022015). Collection method: clinical testing. Allele origin: germline.
Comment: This sequence change replaces tryptophan, which is neutral and slightly polar, with arginine, which is basic and polar, at codon 1193 of the SCN3A protein (p.Trp1193Arg). This variant is not present in population databases (gnomAD no frequency). This variant has not been reported in the literature in individuals affected with SCN3A-related conditions. ClinVar contains an entry for this variant (Variation ID: 1717463). Invitae Evidence Modeling of protein sequence and biophysical properties (such as structural, functional, and spatial information, amino acid conservation, physicochemical variation, residue mobility, and thermodynamic stability) has been performed for this missense variant. However, the output from this modeling did not meet the statistical confidence thresholds required to predict the impact of this variant on SCN3A protein function. In summary, the available evidence is currently insufficient to determine the role of this variant in disease. Therefore, it has been classified as a Variant of Uncertain Significance.

NM_006922.4(SCN3A):c.3577T>C (p.Trp1193Arg)

Gene: SCN3A (sodium voltage-gated channel alpha subunit 3; minus strand). Cytogenetic location: 2q24.3.
Variant type: single nucleotide variant.
Coding change: c.3577T>C on transcript NM_006922.4 (MANE Select); coding-DNA position 3577, T replaced by C.
Protein change: p.Trp1193Arg; replaces tryptophan 1193 with arginine.
Molecular consequence: missense variant.
Genome position (GRCh38, 1-based): chr2:165,113,908, A>G on the plus strand (T>C on the coding strand, the complement: SCN3A is on the minus strand). VCF-style: chr2-165113908-A-G. GRCh37 (hg19) VCF-style: chr2-165970418-A-G.
Other names: c.3430T>C, p.Trp1144Arg (NM_001081676.2, NM_001081677.2); short protein forms W1144R, W1193R.
Identifiers: ClinVar variation 1717463 (VCV001717463.5), dbSNP rs2468156230, ClinGen allele CA349033850.